The following is an entry in ClinVar:

ClinVar aggregate classification (germline): Uncertain significance (1 of 4 stars; one submission).

Conditions:
Catecholaminergic polymorphic ventricular tachycardia (CVPT). Also called: Catecholamine-induced polymorphic ventricular tachycardia. Identifiers: Orphanet 3286, MedGen C5574922, MONDO:0017990.

Submission:

All of Us Research Program, National Institutes of Health
Classification: Uncertain significance for Catecholaminergic polymorphic ventricular tachycardia. Last evaluated: 2023-10-30. Review status: criteria provided, single submitter. Criteria: ACMG Guidelines, 2015. Collection method: clinical testing. Allele origin: germline. Inheritance: Autosomal dominant inheritance. Observed: 1 variant allele, 1 heterozygote.
Comment: This study involves interpretation of variants in research participants for the purpose of population health screening. Participant phenotype was not available at the time of variant classification. Additional details can be found in publication PMID: 35346344, PMCID: PMC8962531

NM_001035.3(RYR2):c.14229dup (p.Leu4744fs)

Gene: RYR2 (ryanodine receptor 2; plus strand). Cytogenetic location: 1q43.
Variant type: Duplication.
Coding change: c.14229dup on transcript NM_001035.3 (MANE Select); coding-DNA position 14229, one base duplicated (T; older notation c.14229dupT).
Protein change: p.Leu4744fs; shifts the reading frame from leucine 4744.
Molecular consequence: frameshift variant.
Genome position (GRCh38, 1-based): chr1:237,806,214, T duplicated; the last of 2 consecutive T bases (chr1:237,806,213-237,806,214); duplicating either gives the same sequence. VCF-style (leftmost placement, unchanged base first): chr1-237806212-C-CT. GRCh37 (hg19) VCF-style: chr1-237969512-C-CT.
Other names: short protein forms L4744fs.
Identifiers: ClinVar variation 3074250 (VCV003074250.1), dbSNP rs2528137988, ClinGen allele CA2825000938.